The following is an entry in ClinVar:

NM_001035.3(RYR2):c.1818A>C (p.Arg606Ser)

Gene: RYR2 (ryanodine receptor 2; plus strand). Cytogenetic location: 1q43.
Variant type: single nucleotide variant.
Coding change: c.1818A>C on transcript NM_001035.3 (MANE Select); coding-DNA position 1818, A replaced by C.
Protein change: p.Arg606Ser; replaces arginine 606 with serine.
Molecular consequence: missense variant.
Genome position (GRCh38, 1-based): chr1:237,491,915, A>C. VCF-style: chr1-237491915-A-C. GRCh37 (hg19) VCF-style: chr1-237655215-A-C.
Other names: short protein forms R606S.
Identifiers: ClinVar variation 1709321 (VCV001709321.2), dbSNP rs2529113819, ClinGen allele CA345388356.

ClinVar aggregate classification (germline): Uncertain significance (1 of 4 stars; one submission).

Conditions:
Arrhythmogenic right ventricular dysplasia 2. Identifiers: MedGen C1832931.

Submission:

MGZ Medical Genetics Center
Classification: Uncertain significance for Catecholaminergic polymorphic ventricular tachycardia 1. Last evaluated: 2022-03-16. Review status: criteria provided, single submitter. Criteria: ACMG Guidelines, 2015. Collection method: clinical testing. Allele origin: germline. Affected: yes. Observed: 1 variant allele.
Comment: ACMG criteria applied: PM2_SUP, PP2, PP3